The following is an entry in ClinVar:

NM_001395159.1(UNC79):c.247_250del (p.Leu83fs)

Gene: UNC79 (unc-79 subunit of NALCN channel complex; plus strand). Cytogenetic location: 14q32.12.
Variant type: Deletion.
Coding change: c.247_250del on transcript NM_001395159.1 (MANE Select); coding-DNA positions 247 to 250, 4 bases deleted (CTAA; older notation c.247_250delCTAA).
Protein change: p.Leu83fs; shifts the reading frame from leucine 83.
Molecular consequence: frameshift variant. On other transcripts: intron variant (1).
Genome position (GRCh38, 1-based): chr14:93,474,192-93,474,195, CTAA deleted. VCF-style (leftmost placement, unchanged base first): chr14-93474191-TCTAA-T. GRCh37 (hg19) VCF-style: chr14-93940537-TCTAA-T.
Other names: c.247_250del, p.Leu83fs (NM_001346218.2); c.-229-56_-229-53del (NM_020818.5); short protein forms L83fs.
Identifiers: ClinVar variation 4292223 (VCV004292223.1).

ClinVar aggregate classification (germline): Uncertain significance (1 of 4 stars; one submission).

Conditions:
UNC79-related disorder. Also called: UNC79-related condition.

Submission:

3billion
Classification: Uncertain significance for UNC79-related disorder. Last evaluated: 2024-06-16. Review status: criteria provided, single submitter. Criteria: ACMG Guidelines, 2015. Collection method: clinical testing. Allele origin: germline. Affected: yes.
Comment: The variant is not observed in the gnomAD v4.0.0 dataset. Predicted Consequence/Location: Frameshift: predicted to result in a loss or disruption of normal protein function through nonsense-mediated decay (NMD) or protein truncation. Multiple pathogenic variants are reported downstream of the variant. Therefore, this variant is classified as VUS according to the recommendation of ACMG/AMP guideline.